The following is an entry in ClinVar:

NM_002738.7(PRKCB):c.*5220C>T

Gene: PRKCB (protein kinase C beta; plus strand). Cytogenetic location: 16p12.1.
Variant type: single nucleotide variant.
Coding change: c.*5220C>T on transcript NM_002738.7 (MANE Select); 5220 bases downstream of the stop codon, C replaced by T.
Molecular consequence: 3 prime UTR variant. On other transcripts: missense variant (1).
Genome position (GRCh38, 1-based): chr16:24,220,036, C>T. VCF-style: chr16-24220036-C-T. GRCh37 (hg19) VCF-style: chr16-24231357-C-T.
Other names: c.1939C>T, p.Leu647Phe (NM_212535.3); short protein forms L647F.
Identifiers: ClinVar variation 4980558 (VCV004980558.1).

ClinVar aggregate classification (germline): Uncertain significance (1 of 4 stars; one submission).

Conditions:
PRKCB-related disorder. Also called: PRKCB-related condition.

gnomAD v4.1: 20 of 1,614,182 alleles (0.0012%); highest among the groups gnomAD compares: Admixed American, 0.02%; no homozygotes.

Submission:

PreventionGenetics, part of Exact Sciences
Classification: Uncertain significance for PRKCB-related condition. Last evaluated: 2026-08-22. Review status: criteria provided, single submitter. Criteria: ACMG Guidelines, 2015. Collection method: clinical testing. Allele origin: germline.
Comment: The PRKCB c.1939C>T variant is predicted to result in the amino acid substitution p.Leu647Phe. To our knowledge, this variant has not been reported in the literature or in a large population database (gnomAD), indicating this variant is rare. At this time, the clinical significance of this variant is uncertain due to the absence of conclusive functional and genetic evidence.